The following is an entry in ClinVar:

NM_001042492.3(NF1):c.3572C>G (p.Thr1191Arg)

Gene: NF1 (neurofibromin 1; plus strand). Cytogenetic location: 17q11.2.
Variant type: single nucleotide variant.
Coding change: c.3572C>G on transcript NM_001042492.3 (MANE Select); coding-DNA position 3572, C replaced by G.
Protein change: p.Thr1191Arg; replaces threonine 1191 with arginine.
Molecular consequence: missense variant.
Genome position (GRCh38, 1-based): chr17:31,233,077, C>G. VCF-style: chr17-31233077-C-G. GRCh37 (hg19) VCF-style: chr17-29560095-C-G.
Other names: c.3572C>G, p.Thr1191Arg (NM_000267.4); short protein forms T1191R.
Identifiers: ClinVar variation 1067806 (VCV001067806.6), dbSNP rs2151435462, ClinGen allele CA398990107.

ClinVar aggregate classification (germline): Pathogenic/Likely pathogenic. Review status: criteria provided, multiple submitters, no conflicts (2 of 4 stars). 2 submissions from 2 submitters: Pathogenic (1); Likely pathogenic (1). Last evaluated 2025-09-25.

Conditions:
Neurofibromatosis, type 1 (NF1). Also called: VON RECKLINGHAUSEN DISEASE; Peripheral type neurofibromatosis; NEUROFIBROMATOSIS, TYPE I, SOMATIC; Neurofibromatosis, type I. Identifiers: Orphanet 636, MedGen C0027831, MONDO:0018975, OMIM 162200. Disease mechanism: loss of function.

Submissions (2):

NHS Central & South Genomic Laboratory Hub
Classification: Likely pathogenic for Neurofibromatosis type 1. Last evaluated: 2025-09-25. Review status: criteria provided, single submitter. Criteria: ACMG Guidelines, 2015. Collection method: clinical testing. Allele origin: germline. Affected: yes.

Labcorp Genetics (formerly Invitae), Labcorp
Classification: Pathogenic for Neurofibromatosis, type 1. Last evaluated: 2025-05-27. Review status: criteria provided, single submitter. Criteria: Invitae Variant Classification Sherloc (09022015). Collection method: clinical testing. Allele origin: germline.
Comment: This sequence change replaces threonine, which is neutral and polar, with arginine, which is basic and polar, at codon 1191 of the NF1 protein (p.Thr1191Arg). This variant is not present in population databases (gnomAD no frequency). This missense change has been observed in individual(s) with neurofibromatosis type 1 (PMID: 23047742). ClinVar contains an entry for this variant (Variation ID: 1067806). Invitae Evidence Modeling of protein sequence and biophysical properties (such as structural, functional, and spatial information, amino acid conservation, physicochemical variation, residue mobility, and thermodynamic stability) indicates that this missense variant is expected to disrupt NF1 protein function with a positive predictive value of 95%. This variant disrupts the p.Thr1191 amino acid residue in NF1. Other variant(s) that disrupt this residue have been observed in individuals with NF1-related conditions (PMID: 25541118, 35240321), which suggests that this may be a clinically significant amino acid residue. For these reasons, this variant has been classified as Pathogenic.

Literature cited by the submitters: PubMed 23047742 (cited by Labcorp Genetics (formerly Invitae), Labcorp); PubMed 25541118 (cited by Labcorp Genetics (formerly Invitae), Labcorp); PubMed 35240321 (cited by Labcorp Genetics (formerly Invitae), Labcorp).